The following is an entry in ClinVar:

NM_006329.4(FBLN5):c.376G>A (p.Val126Met)

Gene: FBLN5 (fibulin 5; minus strand). Cytogenetic location: 14q32.12.
Variant type: single nucleotide variant.
Coding change: c.376G>A on transcript NM_006329.4 (MANE Select); coding-DNA position 376, G replaced by A.
Protein change: p.Val126Met; replaces valine 126 with methionine.
Molecular consequence: missense variant.
Genome position (GRCh38, 1-based): chr14:91,936,950, C>T on the plus strand (G>A on the coding strand, the complement: FBLN5 is on the minus strand). VCF-style: chr14-91936950-C-T. GRCh37 (hg19) VCF-style: chr14-92403294-C-T.
Other names: FBLN5, VAL126MET (rs61734479); c.499G>A, p.Val167Met (NM_001384158.1); c.427G>A, p.Val143Met (NM_001384159.1); c.376G>A, p.Val126Met (NM_001384160.1); c.208G>A, p.Val70Met (NM_001384161.1, NM_001384162.1); short protein forms V126M, V143M, V167M, V70M.
Identifiers: ClinVar variation 218360 (VCV000218360.73), dbSNP rs61734479, ClinGen allele CA213354.

ClinVar aggregate classification (germline): Conflicting classifications of pathogenicity. Review status: criteria provided, conflicting classifications (1 of 4 stars). 13 submissions from 12 submitters: Uncertain significance (2); Benign (2); Likely benign (7). 2 of the submissions do not count toward it. Last evaluated 2026-08-01.

Conditions:
FBLN5-related disorder. Also called: FBLN5-related condition.
Charcot-Marie-Tooth disease, demyelinating, IIA 1H. Also called: HEREDITARY MOTOR AND SENSORY NEUROPATHY, IH; CHARCOT-MARIE-TOOTH NEUROPATHY, TYPE 1H; NEUROPATHY, HEREDITARY, WITH OR WITHOUT AGE-RELATED MACULAR DEGENERATION; Charcot-Marie-Tooth disease, demyelinating, type 1H. Identifiers: MedGen C5676926, MONDO:0030689, OMIM 619764.
Macular degeneration, age-related, 3 (ARMD3). Identifiers: Orphanet 280598, MedGen C1837187, MONDO:0012145, OMIM 608895.
Cutis laxa, autosomal dominant 2 (ADCL2). Identifiers: Orphanet 90348, MedGen C3280794, MONDO:0013751, OMIM 614434.
Cutis laxa, autosomal recessive, type 1A (ARCL1A). Also called: Autosomal recessive cutis laxa type IA. Identifiers: Orphanet 90349, MedGen C5848058, MONDO:0009052, OMIM 219100.
Cutis laxa. Identifiers: Orphanet 209, MedGen C0010495, MONDO:0016175, HP:0000973.

Allele frequency attached by ClinVar (database versions not stated): 1000 Genomes Project 30x 0.00062; 1000 Genomes Project 0.00080; gnomAD exomes 0.00183 and 0.00299; ExAC 0.00186; gnomAD 0.00196 and 0.00199; TOPMed 0.00196; ESP Exome Variant Server 0.00331.
gnomAD v4.1: 4,677 of 1,614,216 alleles (0.29%); highest among the groups gnomAD compares: Non-Finnish European, 0.36%; 8 homozygotes.

Submissions (13):

CeGaT Center for Human Genetics Tuebingen
Classification: Benign. Last evaluated: 2026-08-01. Review status: criteria provided, single submitter. Criteria: CeGaT Center For Human Genetics Tuebingen Variant Classification Criteria Version 2. Collection method: clinical testing. Allele origin: germline. Affected: yes. Observed: 21 variant alleles.
Comment: FBLN5: BS3:Supporting, BS1, BS2

Labcorp Genetics (formerly Invitae), Labcorp
Classification: Likely benign. Last evaluated: 2026-02-01. Review status: criteria provided, single submitter. Criteria: Invitae Variant Classification Sherloc (09022015). Collection method: clinical testing. Allele origin: germline.

Women's Health and Genetics/Laboratory Corporation of America, LabCorp
Classification: Likely benign. Last evaluated: 2024-12-03. Review status: criteria provided, single submitter. Criteria: LabCorp Variant Classification Summary - May 2015. Collection method: clinical testing. Allele origin: germline.
Comment: Variant summary: FBLN5 c.376G>A (p.Val126Met) results in a conservative amino acid change located in the Growth factor receptor domain (IPR009030) of the encoded protein sequence. Three of five in-silico tools predict a benign effect of the variant on protein function. The variant allele was found at a frequency of 0.0018 in 249058 control chromosomes. The observed variant frequency is approximately 2-fold of the estimated maximal expected allele frequency for a pathogenic variant in FBLN5 causing Cutis laxa, autosomal recessive, type 1A phenotype (0.0011). c.376G>A has been reported in the literature in individuals affected with cuticular drusen, without strong evidence for causality (Duvvari_2016). These report(s) do not provide unequivocal conclusions about association of the variant with Cutis laxa, autosomal recessive, type 1A. To our knowledge, no experimental evidence demonstrating an impact on protein function has been reported. The following publication has been ascertained in the context of this evaluation (PMID: 27007659). ClinVar contains an entry for this variant (Variation ID: 218360). Based on the evidence outlined above, the variant was classified as likely benign.

Blueprint Genetics
Classification: Likely benign. Last evaluated: 2024-11-05. Review status: criteria provided, single submitter. Criteria: ACMG Guidelines, 2015. Collection method: clinical testing. Allele origin: germline.

Mayo Clinic Laboratories, Mayo Clinic
Classification: Benign. Last evaluated: 2023-12-13. Review status: criteria provided, single submitter. Criteria: ACMG Guidelines, 2015. Collection method: clinical testing. Allele origin: germline. Observed: 11 variant alleles.
Comment: BS1, BS2

ARUP Laboratories, Molecular Genetics and Genomics, ARUP Laboratories
Classification: Likely benign. Last evaluated: 2023-10-03. Review status: criteria provided, single submitter. Criteria: ARUP Molecular Germline Variant Investigation Process 2024. Collection method: clinical testing. Allele origin: germline.

Department of Pathology and Laboratory Medicine, Sinai Health System
Classification: Uncertain significance for Cutis laxa, autosomal recessive, type 1A; Macular degeneration, age-related, 3; Cutis laxa, autosomal dominant 2; Charcot-Marie-Tooth disease, demyelinating, IIA 1H. Last evaluated: 2020-09-01. Review status: criteria provided, single submitter. Criteria: ACMG Guidelines, 2015. Collection method: research. Allele origin: germline.

GeneDx
Classification: Likely benign. Last evaluated: 2020-07-29. Review status: criteria provided, single submitter. Criteria: GeneDx Variant Classification Process June 2021. Collection method: clinical testing. Allele origin: germline. Affected: yes.
Comment: Identified in patients with age-related macular degeneration or spinal Charcot-Marie-Tooth, as well as in control cohorts (Lotery et al., 2006; Auer-Grumbach et al., 2011; Duvvari et al., 2016); Expression of this variant in COS-7 cells demonstrated no significant effect on fibulin-5 protein secretion or quantity compared to wild-type (Lotery et al., 2006), and biophysical techniques did not suggest any gross structural changes in association with this variant (Jones et al., 2010); In silico analysis, which includes protein predictors and evolutionary conservation, supports that this variant does not alter protein structure/function; Reported in ClinVar as either a variant of uncertain significance or a likely benign variant but additional evidence is not available (ClinVar Variant ID# 218360; Landrum et al., 2016); This variant is associated with the following publications: (PMID: 21616967, 20389311, 27007659, 21576112, 22943132, 23293578, 16652333, 20007835, 23532871)

Illumina Laboratory Services, Illumina
Classification: Likely benign for Macular degeneration, age-related, 3. Last evaluated: 2017-04-27. Review status: criteria provided, single submitter. Criteria: ICSL Variant Classification Criteria 13 December 2019. Collection method: clinical testing. Allele origin: germline.
Comment: This variant was observed as part of a predisposition screen in an ostensibly healthy population. A literature search was performed for the gene, cDNA change, and amino acid change (where applicable). Publications were found based on this search. The evidence from the literature, in combination with allele frequency data from public databases where available, was sufficient to determine this variant is unlikely to cause disease. Therefore, this variant is classified as likely benign.

Illumina Laboratory Services, Illumina
Classification: Likely benign for Cutis laxa. Last evaluated: 2017-04-27. Review status: criteria provided, single submitter. Criteria: ICSL Variant Classification Criteria 13 December 2019. Collection method: clinical testing. Allele origin: germline.
Comment: This variant was observed as part of a predisposition screen in an ostensibly healthy population. A literature search was performed for the gene, cDNA change, and amino acid change (where applicable). No publications were found based on this search. Allele frequency data from public databases allowed determination this variant is unlikely to cause disease. Therefore, this variant is classified as likely benign.

Eurofins Ntd Llc (ga)
Classification: Uncertain significance. Last evaluated: 2016-12-07. Review status: criteria provided, single submitter. Criteria: EGL Classification Definitions 2015. Collection method: clinical testing. Allele origin: germline. Observed: 2 variant alleles, 2 heterozygotes.

PreventionGenetics, part of Exact Sciences
Classification: Likely benign for FBLN5-related condition. Last evaluated: 2022-07-06. Review status: no assertion criteria provided. Collection method: clinical testing. Allele origin: germline. Not counted in ClinVar's aggregate classification.
Comment: This variant is classified as likely benign based on ACMG/AMP sequence variant interpretation guidelines (Richards et al. 2015 PMID: 25741868, with internal and published modifications).

OMIM
Classification: Pathogenic for CHARCOT-MARIE-TOOTH DISEASE, DEMYELINATING, TYPE 1H. Last evaluated: 2011-06-01. Review status: no assertion criteria provided. Collection method: literature only. Allele origin: germline. Not counted in ClinVar's aggregate classification.

Literature cited by the submitters: PubMed 27007659 (cited by Women's Health and Genetics/Laboratory Corporation of America, LabCorp); PubMed 21576112 (cited by Illumina Laboratory Services, Illumina and OMIM); PubMed 16652333 (cited by Illumina Laboratory Services, Illumina).